The following is an entry in ClinVar:

ClinVar aggregate classification (germline): Likely benign (1 of 4 stars; one submission).

Submission:

CeGaT Center for Human Genetics Tuebingen
Classification: Likely benign. Last evaluated: 2025-10-01. Review status: criteria provided, single submitter. Criteria: CeGaT Center For Human Genetics Tuebingen Variant Classification Criteria Version 2. Collection method: clinical testing. Allele origin: germline. Affected: yes. Observed: 1 variant allele.
Comment: MYO3A: PM2:Supporting, BP4, BP5, BP7

NM_017433.5(MYO3A):c.4443C>T (p.Val1481=)

Gene: MYO3A (myosin IIIA; plus strand). Cytogenetic location: 10p12.1.
Variant type: single nucleotide variant.
Coding change: c.4443C>T on transcript NM_017433.5 (MANE Select); coding-DNA position 4443, C replaced by T.
Protein change: p.Val1481=; no amino-acid change (valine 1481 retained).
Molecular consequence: synonymous variant.
Genome position (GRCh38, 1-based): chr10:26,193,209, C>T. VCF-style: chr10-26193209-C-T. GRCh37 (hg19) VCF-style: chr10-26482138-C-T.
Identifiers: ClinVar variation 4534957 (VCV004534957.6).